The following is an entry in ClinVar:

ClinVar aggregate classification (germline): Likely benign. Review status: criteria provided, multiple submitters, no conflicts (2 of 4 stars). 2 submissions from 2 submitters: Likely benign (2). Last evaluated 2025-10-19.

Conditions:
Familial thoracic aortic aneurysm and aortic dissection (TAAD). Also called: Thoracic aortic aneurysms and dissections. Identifiers: Orphanet 91387, MedGen C4707243, MONDO:0019625.

Allele frequency attached by ClinVar (database versions not stated): gnomAD exomes below 0.00001; TOPMed below 0.00001.
gnomAD v4.1: 2 of 1,575,576 alleles (0.00013%); highest among the groups gnomAD compares: Non-Finnish European, 0.00017%; no homozygotes.

Submissions (2):

Labcorp Genetics (formerly Invitae), Labcorp
Classification: Likely benign for Familial thoracic aortic aneurysm and aortic dissection. Last evaluated: 2025-10-19. Review status: criteria provided, single submitter. Criteria: Invitae Variant Classification Sherloc (09022015). Collection method: clinical testing. Allele origin: germline.

GeneDx
Classification: Likely benign. Last evaluated: 2017-02-10. Review status: criteria provided, single submitter. Criteria: GeneDx Variant Classification (06012015). Collection method: clinical testing. Allele origin: germline. Affected: yes.
Comment: This variant is considered likely benign or benign based on one or more of the following criteria: it is a conservative change, it occurs at a poorly conserved position in the protein, it is predicted to be benign by multiple in silico algorithms, and/or has population frequency not consistent with disease.

NM_005911.6(MAT2A):c.293-15G>T

Genes: GGCX (gamma-glutamyl carboxylase; minus strand), MAT2A (methionine adenosyltransferase 2A; plus strand). Cytogenetic location: 2p11.2.
Variant type: single nucleotide variant.
Coding change: c.293-15G>T on transcript NM_005911.6 (MANE Select); 15 bases into the intron before coding-DNA position 293, G replaced by T.
Molecular consequence: intron variant.
Genome position (GRCh38, 1-based): chr2:85,541,618, G>T. VCF-style: chr2-85541618-G-T. GRCh37 (hg19) VCF-style: chr2-85768741-G-T.
Identifiers: ClinVar variation 507373 (VCV000507373.8), dbSNP rs992234117, ClinGen allele CA51725053.